The following is an entry in ClinVar:

NM_001220.5(CAMK2B):c.1408del (p.Leu470fs)

Gene: CAMK2B (calcium/calmodulin dependent protein kinase II beta; minus strand). Cytogenetic location: 7p13.
Variant type: Deletion.
Coding change: c.1408del on transcript NM_001220.5 (MANE Select); coding-DNA position 1408, one base deleted (C; older notation c.1408delC).
Protein change: p.Leu470fs; shifts the reading frame from leucine 470.
Molecular consequence: frameshift variant. On other transcripts: intron variant (8).
Genome position (GRCh38, 1-based): chr7:44,228,856, G deleted on the plus strand (C on the coding strand, the reverse complement: CAMK2B is on the minus strand); the first of 5 consecutive G bases (chr7:44,228,856-44,228,860); deleting any one gives the same sequence. VCF-style (leftmost placement, unchanged base first): chr7-44228855-AG-A. GRCh37 (hg19) VCF-style: chr7-44268454-AG-A.
Other names: c.947-7955del (NM_172084.3); c.1150+2150del (NM_172080.3); c.1036+2150del (NM_172083.3); c.1108+2150del (NM_172081.3); c.1153+2150del (NM_172079.3, NM_172082.3); c.1225+2150del (NM_001293170.2, NM_172078.3); short protein forms L470fs.
Identifiers: ClinVar variation 4795745 (VCV004795745.1).
Genomic context (GRCh38, chr7:44,228,855, plus strand): 5'-CACGGGGAGGACAGGGGGCCTAGGAGAGCCGGAGACAGGCAGGGCGGGGGCCCCGCTGAG[AG>A]GGGGCCCTCGGCTTCTGGGGTTCCTGAACCCCTTCTCACAGAGTTCAGGATGTCAGAGAT-3'

ClinVar aggregate classification (germline): Uncertain significance (1 of 4 stars; one submission).

Submission:

GeneDx
Classification: Uncertain significance. Last evaluated: 2025-08-12. Review status: criteria provided, single submitter. Criteria: GeneDx Variant Classification Process June 2021. Collection method: clinical testing. Allele origin: germline. Affected: yes.
Comment: Not observed at significant frequency in large population cohorts (gnomAD); Frameshift variant predicted to result in protein truncation or nonsense mediated decay in a gene or region of a gene for which loss of function is not a well-established mechanism of disease; Has not been previously published as pathogenic or benign to our knowledge